The following continues an entry in ClinVar:

NM_006031.6(PCNT):c.7536G>A (p.Pro2512=)

Gene: PCNT. ClinVar aggregate classification (germline): Benign. Benign (5).

Submissions 29 to 43 of 43:

Dr. Peter K. Rogan Lab, Western University
No classification provided (evidence only). Condition: Uveal melanoma. Review status: no classification provided. Collection method: in vitro. Allele origin: not applicable. Functional consequence: retained intron. Not counted in ClinVar's aggregate classification.

Dr. Peter K. Rogan Lab, Western University
No classification provided (evidence only). Condition: Uveal melanoma. Review status: no classification provided. Collection method: in vitro. Allele origin: not applicable. Functional consequence: retained intron. Not counted in ClinVar's aggregate classification.

Dr. Peter K. Rogan Lab, Western University
No classification provided (evidence only). Condition: Acute myeloid leukemia. Review status: no classification provided. Collection method: in vitro. Allele origin: not applicable. Functional consequence: retained intron. Not counted in ClinVar's aggregate classification.

Dr. Peter K. Rogan Lab, Western University
No classification provided (evidence only). Condition: Acute myeloid leukemia. Review status: no classification provided. Collection method: in vitro. Allele origin: not applicable. Functional consequence: retained intron. Not counted in ClinVar's aggregate classification.

Dr. Peter K. Rogan Lab, Western University
No classification provided (evidence only). Condition: Acute myeloid leukemia. Review status: no classification provided. Collection method: in vitro. Allele origin: not applicable. Functional consequence: retained intron. Not counted in ClinVar's aggregate classification.

Dr. Peter K. Rogan Lab, Western University
No classification provided (evidence only). Condition: Acute myeloid leukemia. Review status: no classification provided. Collection method: in vitro. Allele origin: not applicable. Functional consequence: retained intron. Not counted in ClinVar's aggregate classification.

Dr. Peter K. Rogan Lab, Western University
No classification provided (evidence only). Condition: Acute myeloid leukemia. Review status: no classification provided. Collection method: in vitro. Allele origin: not applicable. Functional consequence: retained intron. Not counted in ClinVar's aggregate classification.

Dr. Peter K. Rogan Lab, Western University
No classification provided (evidence only). Condition: Acute myeloid leukemia. Review status: no classification provided. Collection method: in vitro. Allele origin: not applicable. Functional consequence: retained intron. Not counted in ClinVar's aggregate classification.

Dr. Peter K. Rogan Lab, Western University
No classification provided (evidence only). Condition: Acute myeloid leukemia. Review status: no classification provided. Collection method: in vitro. Allele origin: not applicable. Functional consequence: retained intron. Not counted in ClinVar's aggregate classification.

Dr. Peter K. Rogan Lab, Western University
No classification provided (evidence only). Condition: Acute myeloid leukemia. Review status: no classification provided. Collection method: in vitro. Allele origin: not applicable. Functional consequence: retained intron. Not counted in ClinVar's aggregate classification.

Dr. Peter K. Rogan Lab, Western University
No classification provided (evidence only). Condition: Colorectal cancer. Review status: no classification provided. Collection method: in vitro. Allele origin: not applicable. Functional consequence: retained intron. Not counted in ClinVar's aggregate classification.

Dr. Peter K. Rogan Lab, Western University
No classification provided (evidence only). Condition: Colorectal cancer. Review status: no classification provided. Collection method: in vitro. Allele origin: not applicable. Functional consequence: retained intron. Not counted in ClinVar's aggregate classification.

Dr. Peter K. Rogan Lab, Western University
No classification provided (evidence only). Condition: Colorectal cancer. Review status: no classification provided. Collection method: in vitro. Allele origin: not applicable. Functional consequence: retained intron. Not counted in ClinVar's aggregate classification.

Dr. Peter K. Rogan Lab, Western University
No classification provided (evidence only). Condition: Colorectal cancer. Review status: no classification provided. Collection method: in vitro. Allele origin: not applicable. Functional consequence: skipped exon, retained intron. Not counted in ClinVar's aggregate classification.

Dr. Peter K. Rogan Lab, Western University
No classification provided (evidence only). Condition: Colorectal cancer. Review status: no classification provided. Collection method: in vitro. Allele origin: not applicable. Functional consequence: retained intron. Not counted in ClinVar's aggregate classification.